The following is an entry in ClinVar:

NM_017721.5(CC2D1A):c.347del (p.Lys116fs)

Gene: CC2D1A (coiled-coil and C2 domain containing 1A; plus strand). Cytogenetic location: 19p13.12.
Variant type: Deletion.
Coding change: c.347del on transcript NM_017721.5 (MANE Select); coding-DNA position 347, one base deleted (A; older notation c.347delA).
Protein change: p.Lys116fs; shifts the reading frame from lysine 116.
Molecular consequence: frameshift variant.
Genome position (GRCh38, 1-based): chr19:13,912,562, A deleted; the last of 2 consecutive A bases (chr19:13,912,561-13,912,562); deleting either gives the same sequence. VCF-style (leftmost placement, unchanged base first): chr19-13912560-GA-G. GRCh37 (hg19) VCF-style: chr19-14023373-GA-G.
Other names: c.347del, p.Lys116fs (NM_001411138.1); short protein forms K116fs.
Identifiers: ClinVar variation 2736827 (VCV002736827.4), dbSNP rs2513071545, ClinGen allele CA915940548.

ClinVar aggregate classification (germline): Pathogenic. Review status: criteria provided, multiple submitters, no conflicts (2 of 4 stars). 2 submissions from 2 submitters: Pathogenic (2). Last evaluated 2023-01-28.

Conditions:
CC2D1A-related disorder. Also called: CC2D1A-related condition.

Submissions (2):

Labcorp Genetics (formerly Invitae), Labcorp
Classification: Pathogenic. Last evaluated: 2023-01-28. Review status: criteria provided, single submitter. Criteria: Invitae Variant Classification Sherloc (09022015). Collection method: clinical testing. Allele origin: germline.
Comment: This sequence change creates a premature translational stop signal (p.Lys116Argfs*82) in the CC2D1A gene. It is expected to result in an absent or disrupted protein product. Loss-of-function variants in CC2D1A are known to be pathogenic (PMID: 16033914). This variant is not present in population databases (gnomAD no frequency). This premature translational stop signal has been observed in individual(s) with CC2D1A-related conditions (PMID: 25066123). This variant is also known as c.346delA (p.Lys116Argfs*81). For these reasons, this variant has been classified as Pathogenic.

Blueprint Genetics
Classification: Pathogenic for CC2D1A-related disorders. Last evaluated: 2022-11-25. Review status: criteria provided, single submitter. Criteria: ACMG Guidelines, 2015. Collection method: clinical testing. Allele origin: germline. Affected: yes. Observed: 1 variant allele.

Literature cited by the submitters: PubMed 16033914 (cited by Labcorp Genetics (formerly Invitae), Labcorp); PubMed 25066123 (cited by Labcorp Genetics (formerly Invitae), Labcorp).